The following is an entry in ClinVar:

ClinVar aggregate classification (germline): Uncertain significance (1 of 4 stars; one submission).

gnomAD v4.1: 3 of 1,614,110 alleles (0.00019%); highest among the groups gnomAD compares: Non-Finnish European, 0.00025%; no homozygotes.

Submission:

CeGaT Center for Human Genetics Tuebingen
Classification: Uncertain significance. Last evaluated: 2025-09-01. Review status: criteria provided, single submitter. Criteria: CeGaT Center For Human Genetics Tuebingen Variant Classification Criteria Version 2. Collection method: clinical testing. Allele origin: germline. Affected: yes. Observed: 1 variant allele.
Comment: MAP1B: PM2, BP4

NM_005909.5(MAP1B):c.5642C>A (p.Ser1881Tyr)

Gene: MAP1B (microtubule associated protein 1B; plus strand). Cytogenetic location: 5q13.2.
Variant type: single nucleotide variant.
Coding change: c.5642C>A on transcript NM_005909.5 (MANE Select); coding-DNA position 5642, C replaced by A.
Protein change: p.Ser1881Tyr; replaces serine 1881 with tyrosine.
Molecular consequence: missense variant.
Genome position (GRCh38, 1-based): chr5:72,198,997, C>A. VCF-style: chr5-72198997-C-A. GRCh37 (hg19) VCF-style: chr5-71494824-C-A.
Other names: c.5264C>A, p.Ser1755Tyr (NM_001324255.2); short protein forms S1755Y, S1881Y.
Identifiers: ClinVar variation 4281126 (VCV004281126.7).